The following is an entry in ClinVar:

ClinVar aggregate classification (germline): Pathogenic/Likely pathogenic. Review status: criteria provided, multiple submitters, no conflicts (2 of 4 stars). 3 submissions from 3 submitters: Pathogenic (2); Likely pathogenic (1). Last evaluated 2022-01-23.

Conditions:
Familial cancer of breast. Also called: BREAST CANCER, FAMILIAL; Hereditary breast cancer; hereditary breast carcinoma. Identifiers: Orphanet 227535, MedGen C0346153, MONDO:0016419, OMIM 114480. Disease mechanism: loss of function.
Hereditary cancer-predisposing syndrome. Also called: Neoplastic Syndromes, Hereditary; Tumor predisposition; Hereditary neoplastic syndrome; Hereditary Cancer Syndrome. Identifiers: Orphanet 140162, MedGen C0027672, MeSH D009386, MONDO:0015356.

Submissions (3):

Baylor Genetics
Classification: Likely pathogenic for Familial cancer of breast. Last evaluated: 2022-01-23. Review status: criteria provided, single submitter. Criteria: ACMG Guidelines, 2015. Collection method: clinical testing. Allele origin: unknown.

Color Diagnostics, LLC DBA Color Health
Classification: Pathogenic for Hereditary cancer-predisposing syndrome. Last evaluated: 2021-03-15. Review status: criteria provided, single submitter. Criteria: ACMG Guidelines, 2015. Collection method: clinical testing. Allele origin: germline.
Comment: This variant changes 1 nucleotide in exon 16 of the BRCA2 gene, creating a premature translation stop signal. This variant is expected to result in an absent or non-functional protein product. To our knowledge, this variant has not been reported in individuals affected with hereditary cancer in the literature. This variant has not been identified in the general population by the Genome Aggregation Database (gnomAD). Loss of BRCA2 function is a known mechanism of disease. Based on the available evidence, this variant is classified as Pathogenic.

Ambry Genetics
Classification: Pathogenic for Hereditary cancer-predisposing syndrome. Last evaluated: 2019-04-04. Review status: criteria provided, single submitter. Criteria: Ambry Variant Classification Scheme 2023. Collection method: clinical testing. Allele origin: germline.
Comment: The p.G2578* pathogenic mutation (also known as c.7732G>T), located in coding exon 15 of the BRCA2 gene, results from a G to T substitution at nucleotide position 7732. This changes the amino acid from a glycine to a stop codon within coding exon 15. This alteration is expected to result in loss of function by premature protein truncation or nonsense-mediated mRNA decay. As such, this alteration is interpreted as a disease-causing mutation.

NM_000059.4(BRCA2):c.7732G>T (p.Gly2578Ter)

Gene: BRCA2 (BRCA2 DNA repair associated; plus strand). Cytogenetic location: 13q13.1.
Variant type: single nucleotide variant.
Coding change: c.7732G>T on transcript NM_000059.4 (MANE Select); coding-DNA position 7732, G replaced by T.
Protein change: p.Gly2578Ter; replaces glycine 2578 with a stop codon.
Molecular consequence: nonsense.
Genome position (GRCh38, 1-based): chr13:32,357,856, G>T. VCF-style: chr13-32357856-G-T. GRCh37 (hg19) VCF-style: chr13-32931993-G-T.
Other names: short protein forms G2578*.
Identifiers: ClinVar variation 827228 (VCV000827228.7), dbSNP rs1593920920, ClinGen allele CA387745555.